The following is an entry in ClinVar:

ClinVar aggregate classification (germline): Benign/Likely benign. Review status: criteria provided, multiple submitters, no conflicts (2 of 4 stars). 14 submissions from 14 submitters: Benign (3); Likely benign (6). 5 of the submissions do not count toward it. Last evaluated 2026-05-01.

Conditions:
PKD1-related disorder. Also called: PKD1-related condition.
Polycystic kidney disease, adult type (PKD1). Also called: POLYCYSTIC KIDNEY DISEASE 1 WITH OR WITHOUT POLYCYSTIC LIVER DISEASE; Polycystic Kidney Disease 1, Autosomal Dominant; Polycystic kidney disease 1; Polycystic kidney disease 1, severe; Polycystic Kidney, Autosomal Dominant; POLYCYSTIC KIDNEY DISEASE, ADULT, TYPE I. Identifiers: MedGen C3149841, MONDO:0008263, OMIM 173900.
Polycystic kidney disease. Also called: Kidney, Polycystic; Polycystic kidney dysplasia. Identifiers: MedGen C0022680, MeSH D007690, MONDO:0020642, HP:0000113.

Allele frequency attached by ClinVar (database versions not stated): 1000 Genomes Project 30x 0.00172; 1000 Genomes Project 0.00200; ExAC 0.00245; gnomAD exomes 0.00256; TOPMed 0.00258; ESP Exome Variant Server 0.00309; gnomAD 0.00313 and 0.00324.
gnomAD v4.1: 5,775 of 1,611,100 alleles (0.36%); highest among the groups gnomAD compares: Non-Finnish European, 0.43%; 15 homozygotes.

Submissions (14):

CeGaT Center for Human Genetics Tuebingen
Classification: Benign. Last evaluated: 2026-05-01. Review status: criteria provided, single submitter. Criteria: CeGaT Center For Human Genetics Tuebingen Variant Classification Criteria Version 2. Collection method: clinical testing. Allele origin: germline. Affected: yes. Observed: 15 variant alleles.
Comment: PKD1: BP4, BS1, BS2

Mayo Clinic Laboratories, Mayo Clinic
Classification: Benign. Last evaluated: 2025-07-10. Review status: criteria provided, single submitter. Criteria: ACMG Guidelines, 2015. Collection method: clinical testing. Allele origin: germline. Observed: 4 variant alleles.
Comment: BS1, BS2

Women's Health and Genetics/Laboratory Corporation of America, LabCorp
Classification: Likely benign. Last evaluated: 2025-06-18. Review status: criteria provided, single submitter. Criteria: LabCorp Variant Classification Summary - May 2015. Collection method: clinical testing. Allele origin: germline.
Comment: Variant summary: PKD1 c.4018C>T (p.Arg1340Trp) results in a non-conservative amino acid change in the encoded protein sequence. Algorithms developed to predict the effect of missense changes on protein structure and function are either unavailable or do not agree on the potential impact of this missense change. The variant allele was found at a frequency of 0.0026 in 246614 control chromosomes in the gnomAD database, including 2 homozygotes. The observed variant frequency exceeds the estimated maximal expected allele frequency for a pathogenic variant in PKD1 causing PKD1-Biallelic Autosomal Recessive Polycystic Kidney Disease phenotype. c.4018C>T has been observed in individual(s) affected with Polycystic Kidney Disease without strong evidence for causality (Carrera_2016, Rasouly_2019, Rossetti_2002). These report(s) do not provide unequivocal conclusions about association of the variant with PKD1-related Polycystic Kidney Disease. To our knowledge, no experimental evidence demonstrating an impact on protein function has been reported. The following publications have been ascertained in the context of this evaluation (PMID: 27499327, 30476936, 11967008). ClinVar contains an entry for this variant (Variation ID: 256960). Based on the evidence outlined above, the variant was classified as likely benign.

Blueprint Genetics
Classification: Likely benign. Last evaluated: 2024-11-26. Review status: criteria provided, single submitter. Criteria: ACMG Guidelines, 2015. Collection method: clinical testing. Allele origin: germline.

Fulgent Genetics
Classification: Likely benign for Polycystic kidney disease, adult type. Last evaluated: 2022-04-08. Review status: criteria provided, single submitter. Criteria: ACMG Guidelines, 2015. Collection method: clinical testing. Allele origin: unknown.

GeneDx
Classification: Likely benign. Last evaluated: 2021-02-10. Review status: criteria provided, single submitter. Criteria: GeneDx Variant Classification Process June 2021. Collection method: clinical testing. Allele origin: germline. Affected: yes.
Comment: This variant is associated with the following publications: (PMID: 22008521, 26489027, 11967008, 22995991, 27499327)

ARUP Laboratories, Molecular Genetics and Genomics, ARUP Laboratories
Classification: Likely benign for Polycystic kidney disease, adult type. Last evaluated: 2019-04-03. Review status: criteria provided, single submitter. Criteria: ARUP Molecular Germline Variant Investigation Process. Collection method: clinical testing. Allele origin: germline.

Athena Diagnostics
Classification: Benign. Last evaluated: 2017-12-21. Review status: criteria provided, single submitter. Criteria: Athena Diagnostics Criteria. Collection method: clinical testing. Allele origin: germline.

Breakthrough Genomics
Classification: Likely benign. Review status: criteria provided, single submitter. Criteria: ACMG Guidelines, 2015. Collection method: not provided. Allele origin: germline. Inheritance: Autosomal dominant inheritance. Affected: yes.

PreventionGenetics, part of Exact Sciences
Classification: Benign for PKD1-related condition. Last evaluated: 2019-08-05. Review status: no assertion criteria provided. Collection method: clinical testing. Allele origin: germline. Not counted in ClinVar's aggregate classification.
Comment: This variant is classified as benign based on ACMG/AMP sequence variant interpretation guidelines (Richards et al. 2015 PMID: 25741868, with internal and published modifications).

Clinical Genetics DNA and cytogenetics Diagnostics Lab, Erasmus MC, Erasmus Medical Center
Classification: Likely benign. Review status: no assertion criteria provided. Collection method: clinical testing. Allele origin: germline. Affected: yes. Study: VKGL Data-share Consensus. Not counted in ClinVar's aggregate classification.

Department of Pathology and Laboratory Medicine, Sinai Health System
Classification: Benign for Polycystic Kidney disease. Review status: no assertion criteria provided. Collection method: clinical testing. Allele origin: unknown. Affected: yes. Study: The Canadian Open Genetics Repository (COGR). Not counted in ClinVar's aggregate classification.
Comment: The PKD1 p.Arg1340Trp variant was identified in 5 of 328 proband chromosomes (frequency: 0.015) from individuals or families with ADPKD (Bataille 2011, Garcia-Gonzalez 2007, Rossetti 2002, Rossetti 2007). The variant was also identified in dbSNP (ID: rs143690392) as â€šÃ„ÃºNAâ€šÃ„Ã¹, and ADPKD Mutation Database (as likely neutral). This variant was identified in the 1000 Genomes Project in 10 of 5000 chromosomes (freq. 0.002), the NHLBI GO Exome Sequencing Project in 35 of 8582 European American alleles (freq. 0.004) and in 5 of 4374 African American alleles (freq. 0.001), the Exome Aggregation Consortium database (August 8, 2016) in 286 (1 homozygous) of 116868 chromosomes (freq. 0.002) in the following populations Finnish in 36 of 6204 chromosomes (freq. 0.006), European (Non-Finnish) in 220 of 63994 chromosomes (freq. 0.003), other in 2 of 838 chromosomes (freq. 0.002), African in 21 of 9516 chromosomes (freq. 0.002), Latino in 6 of 11372 chromosomes (freq. 0.0005), and South Asian in 1 of 16460 chromosomes (freq. 0.00006), but was not seen in East Asian populations, increasing the likelihood this could be a low frequency benign variant. In addition we cannot be certain that data from control databases is specific to PKD1 and not from one of the six PKD1 pseudogenes. The variant was not identified in Clinvitae, ClinVar, GeneInsight COGR, MutDB, PKD1-LOVD, and PKD1-LOVD 3.0. The p.Arg1340 residue is not conserved in mammals and four out of five computational analyses (PolyPhen-2, SIFT, AlignGVGD, BLOSUM, MutationTaster) do not suggest a high likelihood of impact to the protein. The variant occurs outside of the splicing consensus sequence and 1 in 5 in silico or computational prediction software programs (SpliceSiteFinder, MaxEntScan, NNSPLICE, GeneSplicer, HumanSpliceFinder) predict a difference in splicing. The variant was identified with a co-occurring pathogenic PKD1 variant p.Leu56ProfsX60, increasing the likelihood that the p.Arg2191His variant does not have clinical significance. In addition, the variant was classified as â€šÃ„Ãºa known exonic polymorphismâ€šÃ„Ã¹ in multiple studies (Rossetti 2012, Bataille 2011). In summary, based on the above information, this variant meets our laboratory criteria to be classified as benign.

Genome Diagnostics Laboratory, University Medical Center Utrecht
Classification: Likely benign. Review status: no assertion criteria provided. Collection method: clinical testing. Allele origin: germline. Affected: yes. Study: VKGL Data-share Consensus. Not counted in ClinVar's aggregate classification.

Laboratory of Diagnostic Genome Analysis, Leiden University Medical Center (LUMC)
Classification: Likely benign. Review status: no assertion criteria provided. Collection method: clinical testing. Allele origin: germline. Affected: yes. Study: VKGL Data-share Consensus. Not counted in ClinVar's aggregate classification.

Literature cited by the submitters: PubMed 11967008 (cited by 3 submitters); PubMed 17574468 (cited by Mayo Clinic Laboratories, Mayo Clinic and Athena Diagnostics); PubMed 17582161 (cited by Mayo Clinic Laboratories, Mayo Clinic and Athena Diagnostics); PubMed 22008521 (cited by Mayo Clinic Laboratories, Mayo Clinic and Athena Diagnostics); PubMed 22383692 (cited by Mayo Clinic Laboratories, Mayo Clinic); PubMed 25646624 (cited by Mayo Clinic Laboratories, Mayo Clinic); PubMed 26489027 (cited by Mayo Clinic Laboratories, Mayo Clinic); PubMed 27499327 (cited by Mayo Clinic Laboratories, Mayo Clinic and Women's Health and Genetics/Laboratory Corporation of America, LabCorp); PubMed 30476936 (cited by Mayo Clinic Laboratories, Mayo Clinic and Women's Health and Genetics/Laboratory Corporation of America, LabCorp); PubMed 34426522 (cited by Mayo Clinic Laboratories, Mayo Clinic).

NM_001009944.3(PKD1):c.4018C>T (p.Arg1340Trp)

Gene: PKD1 (polycystin 1, transient receptor potential channel interacting; minus strand). Cytogenetic location: 16p13.3.
Variant type: single nucleotide variant.
Coding change: c.4018C>T on transcript NM_001009944.3 (MANE Select); coding-DNA position 4018, C replaced by T.
Protein change: p.Arg1340Trp; replaces arginine 1340 with tryptophan.
Molecular consequence: missense variant.
Genome position (GRCh38, 1-based): chr16:2,111,149, G>A on the plus strand (C>T on the coding strand, the complement: PKD1 is on the minus strand). VCF-style: chr16-2111149-G-A. GRCh37 (hg19) VCF-style: chr16-2161150-G-A.
Other names: c.4018C>T, p.Arg1340Trp (NM_000296.4); short protein forms R1340W.
Identifiers: ClinVar variation 256960 (VCV000256960.52), dbSNP rs143690392, ClinGen allele CA7832526.